The following is an entry in ClinVar:

NM_152703.5(SAMD9L):c.2713G>A (p.Val905Ile)

Gene: SAMD9L (sterile alpha motif domain containing 9 like; minus strand). Cytogenetic location: 7q21.2.
Variant type: single nucleotide variant.
Coding change: c.2713G>A on transcript NM_152703.5 (MANE Select); coding-DNA position 2713, G replaced by A.
Protein change: p.Val905Ile; replaces valine 905 with isoleucine.
Molecular consequence: missense variant.
Genome position (GRCh38, 1-based): chr7:93,133,259, C>T on the plus strand (G>A on the coding strand, the complement: SAMD9L is on the minus strand). VCF-style: chr7-93133259-C-T. GRCh37 (hg19) VCF-style: chr7-92762572-C-T.
Other names: c.2713G>A, p.Val905Ile (NM_001303496.3, NM_001303497.3, NM_001303498.3 and 5 more transcripts); short protein forms V905I.
Identifiers: ClinVar variation 4842038 (VCV004842038.1).

ClinVar aggregate classification (germline): Uncertain significance (1 of 4 stars; one submission).

Conditions:
Inborn genetic diseases. Identifiers: MedGen C0950123, MeSH D030342.

Submission:

Ambry Genetics
Classification: Uncertain significance for Inborn genetic diseases. Last evaluated: 2026-01-10. Review status: criteria provided, single submitter. Criteria: Ambry Variant Classification Scheme 2023. Collection method: clinical testing. Allele origin: germline.
Comment: The p.V905I variant (also known as c.2713G>A), located in coding exon 1 of the SAMD9L gene, results from a G to A substitution at nucleotide position 2713. The valine at codon 905 is replaced by isoleucine, an amino acid with highly similar properties. This amino acid position is conserved. In addition, this alteration is predicted to be tolerated by in silico analysis. Based on the available evidence, the clinical significance of this variant remains unclear.